The following is an entry in ClinVar:

ClinVar aggregate classification (germline): Pathogenic (1 of 4 stars; one submission).

Conditions:
Neurofibromatosis, type 1 (NF1). Also called: VON RECKLINGHAUSEN DISEASE; NEUROFIBROMATOSIS, TYPE I, SOMATIC; Peripheral type neurofibromatosis; Neurofibromatosis, type I. Identifiers: Orphanet 636, MedGen C0027831, MONDO:0018975, OMIM 162200. Disease mechanism: loss of function.

Submission:

Labcorp Genetics (formerly Invitae), Labcorp
Classification: Pathogenic for Neurofibromatosis, type 1. Last evaluated: 2023-08-31. Review status: criteria provided, single submitter. Criteria: Invitae Variant Classification Sherloc (09022015). Collection method: clinical testing. Allele origin: germline.
Comment: This sequence change affects a donor splice site in intron 1 of the NF1 gene. It is expected to disrupt RNA splicing. Variants that disrupt the donor or acceptor splice site typically lead to a loss of protein function (PMID: 16199547), and loss-of-function variants in NF1 are known to be pathogenic (PMID: 10712197, 23913538). This variant is not present in population databases (gnomAD no frequency). Disruption of this splice site has been observed in individual(s) with neurofibromatosis type 1 (PMID: 16944272, 24789688, 31766501). ClinVar contains an entry for this variant (Variation ID: 527513). Algorithms developed to predict the effect of sequence changes on RNA splicing suggest that this variant may disrupt the consensus splice site. For these reasons, this variant has been classified as Pathogenic.

Literature cited by the submitters: PubMed 16199547; PubMed 10712197; PubMed 23913538; PubMed 16944272; PubMed 24789688; PubMed 31766501.

NM_001042492.3(NF1):c.60+1G>T

Genes: MIR4733HG (MIR4733 host gene; minus strand), NF1 (neurofibromin 1; plus strand), LOC111811965 (NF1 (neurofibromin 1) promoter region; plus strand). Cytogenetic location: 17q11.2.
Variant type: single nucleotide variant.
Coding change: c.60+1G>T on transcript NM_001042492.3 (MANE Select); the canonical splice donor site of the intron after coding-DNA position 60, G replaced by T.
Molecular consequence: splice donor variant. On other transcripts: non-coding transcript variant (1).
Genome position (GRCh38, 1-based): chr17:31,095,370, G>T. VCF-style: chr17-31095370-G-T. GRCh37 (hg19) VCF-style: chr17-29422388-G-T.
Other names: c.60+1G>T (NM_000267.4, NM_001128147.3).
Identifiers: ClinVar variation 527513 (VCV000527513.7), dbSNP rs1555594500, ClinGen allele CA398979449.